The following is an entry in ClinVar:

ClinVar aggregate classification (germline): Uncertain significance (1 of 4 stars; one submission).

Conditions:
Hereditary cancer-predisposing syndrome. Also called: Hereditary Cancer Syndrome; Tumor predisposition; Hereditary neoplastic syndrome; Neoplastic Syndromes, Hereditary. Identifiers: Orphanet 140162, MedGen C0027672, MeSH D009386, MONDO:0015356.

Submission:

Ambry Genetics
Classification: Uncertain significance for Hereditary cancer-predisposing syndrome. Last evaluated: 2024-08-24. Review status: criteria provided, single submitter. Criteria: Ambry Variant Classification Scheme 2023. Collection method: clinical testing. Allele origin: germline.
Comment: The p.D262N variant (also known as c.784G>A), located in coding exon 4 of the MSH3 gene, results from a G to A substitution at nucleotide position 784. The aspartic acid at codon 262 is replaced by asparagine, an amino acid with highly similar properties. This amino acid position is conserved. In addition, the in silico prediction for this alteration is inconclusive. Based on the available evidence, the clinical significance of this variant remains unclear.

NM_002439.5(MSH3):c.784G>A (p.Asp262Asn)

Gene: MSH3 (mutS homolog 3; plus strand). Cytogenetic location: 5q14.1.
Variant type: single nucleotide variant.
Coding change: c.784G>A on transcript NM_002439.5 (MANE Select); coding-DNA position 784, G replaced by A.
Protein change: p.Asp262Asn; replaces aspartic acid 262 with asparagine.
Molecular consequence: missense variant.
Genome position (GRCh38, 1-based): chr5:80,670,301, G>A. VCF-style: chr5-80670301-G-A. GRCh37 (hg19) VCF-style: chr5-79966120-G-A.
Other names: short protein forms D262N.
Identifiers: ClinVar variation 3398715 (VCV003398715.1).